The following is an entry in ClinVar:

NM_001365792.1(DAB1):c.1017C>T (p.Ile339=)

Gene: DAB1 (DAB adaptor protein 1; minus strand). Cytogenetic location: 1p32.2.
Variant type: single nucleotide variant.
Coding change: c.1017C>T on transcript NM_001365792.1 (MANE Select); coding-DNA position 1017, C replaced by T.
Protein change: p.Ile339=; no amino-acid change (isoleucine 339 retained).
Molecular consequence: synonymous variant.
Genome position (GRCh38, 1-based): chr1:57,015,310, G>A on the plus strand (C>T on the coding strand, the complement: DAB1 is on the minus strand). VCF-style: chr1-57015310-G-A. GRCh37 (hg19) VCF-style: chr1-57480983-G-A.
Other names: c.1017C>T, p.Ile339= (NM_001353983.2, NM_001353985.2, NM_001365793.1 and 3 more transcripts); c.1011C>T, p.Ile337= (NM_001353986.2, NM_001379461.1).
Identifiers: ClinVar variation 3046012 (VCV003046012.2), dbSNP rs1049719265, ClinGen allele CA22879192.

ClinVar aggregate classification (germline): Likely benign (0 of 4 stars; one submission).

Conditions:
DAB1-related disorder. Also called: DAB1-related condition.

Allele frequency attached by ClinVar (database versions not stated): gnomAD 0.00001; TOPMed 0.00001.
gnomAD v4.1: 15 of 1,613,972 alleles (0.00093%); highest among the groups gnomAD compares: South Asian, 0.0022%; no homozygotes.

Submission:

PreventionGenetics, part of Exact Sciences
Classification: Likely benign for DAB1-related condition. Last evaluated: 2023-07-07. Review status: no assertion criteria provided. Collection method: clinical testing. Allele origin: germline.
Comment: This variant is classified as likely benign based on ACMG/AMP sequence variant interpretation guidelines (Richards et al. 2015 PMID: 25741868, with internal and published modifications).